The following is an entry in ClinVar:

ClinVar aggregate classification (germline): Uncertain significance (1 of 4 stars; one submission).

Conditions:
Hereditary cancer-predisposing syndrome. Also called: Hereditary neoplastic syndrome; Neoplastic Syndromes, Hereditary; Tumor predisposition; Hereditary Cancer Syndrome. Identifiers: Orphanet 140162, MedGen C0027672, MeSH D009386, MONDO:0015356.

Submission:

Ambry Genetics
Classification: Uncertain significance for Hereditary cancer-predisposing syndrome. Last evaluated: 2025-08-27. Review status: criteria provided, single submitter. Criteria: Ambry Variant Classification Scheme 2023. Collection method: clinical testing. Allele origin: germline.
Comment: The p.R126L variant (also known as c.377G>T), located in coding exon 4 of the MUTYH gene, results from a G to T substitution at nucleotide position 377. The arginine at codon 126 is replaced by leucine, an amino acid with dissimilar properties. This amino acid position is conserved. In addition, the in silico prediction for this alteration is inconclusive. Based on the available evidence, the clinical significance of this variant remains unclear.

NM_001048174.2(MUTYH):c.293G>T (p.Arg98Leu)

Gene: MUTYH (mutY DNA glycosylase; minus strand). Cytogenetic location: 1p34.1.
Variant type: single nucleotide variant.
Coding change: c.293G>T on transcript NM_001048174.2 (MANE Select); coding-DNA position 293, G replaced by T.
Protein change: p.Arg98Leu; replaces arginine 98 with leucine.
Molecular consequence: missense variant. On other transcripts: non-coding transcript variant (7).
Genome position (GRCh38, 1-based): chr1:45,333,296, C>A on the plus strand (G>T on the coding strand, the complement: MUTYH is on the minus strand). VCF-style: chr1-45333296-C-A. GRCh37 (hg19) VCF-style: chr1-45798968-C-A.
Other names: c.293G>T, p.Arg98Leu (NM_001048171.2, NM_001048173.2, NM_001293195.2 and 6 more transcripts); c.296G>T, p.Arg99Leu (NM_001048172.2, NM_001407071.1, NM_001407078.1 and 2 more transcripts); c.377G>T, p.Arg126Leu (NM_001128425.2); c.338G>T, p.Arg113Leu (NM_001293190.2); c.326G>T, p.Arg109Leu (NM_001293191.2, NM_001407077.1); c.17G>T, p.Arg6Leu (NM_001293192.2, NM_001293196.2, NM_001407091.1); c.22G>T, p.Gly8Trp (NM_001350650.2, NM_001350651.2, NM_001407082.1); c.368G>T, p.Arg123Leu (NM_001407069.1, NM_012222.3); and 3 more; short protein forms R112L, R105L, R99L, G8W, R113L, R70L, R98L, R109L.
Identifiers: ClinVar variation 4113642 (VCV004113642.1).